The following is an entry in ClinVar:

ClinVar aggregate classification (germline): Conflicting classifications of pathogenicity. Review status: criteria provided, conflicting classifications (1 of 4 stars). 5 submissions from 5 submitters: Likely pathogenic (1); Uncertain significance (4). Last evaluated 2025-12-16.

Conditions:
Type 2 diabetes mellitus. Also called: Type II diabetes mellitus. Identifiers: MedGen C0011860, MeSH D003924, MONDO:0005148, OMIM 125853, HP:0005978.
Diabetes mellitus type 1 (T1D). Also called: Type I diabetes mellitus; Diabetes Mellitus, Juvenile-Onset. Identifiers: MedGen C0011854, MONDO:0005147, OMIM 222100, HP:0100651.
Nonpapillary renal cell carcinoma. Identifiers: Orphanet 422526, MedGen CN074294, MONDO:0007763, OMIM 144700.
Hepatic adenomas, familial. Also called: HEPATIC ADENOMA, SOMATIC; LIVER CELL ADENOMAS, FAMILIAL. Identifiers: MedGen C1840646, MONDO:0007718, OMIM 142330.
Maturity-onset diabetes of the young type 3. Also called: MODY type 3; MODY, type III. Identifiers: Orphanet 552, MedGen C1838100, MeSH C563933, MONDO:0010894, OMIM 600496. Disease mechanism: loss of function.
Type 1 diabetes mellitus 20 (T1D20). Also called: Diabetes mellitus, insulin-dependent, 20. Identifiers: MedGen C2675866, MONDO:0012919, OMIM 612520.
Monogenic diabetes. Identifiers: Orphanet 183625, MedGen C3888631, MONDO:0015967.

Allele frequency attached by ClinVar (database versions not stated): ESP Exome Variant Server 0.00008; 1000 Genomes Project 0.00020; 1000 Genomes Project 30x 0.00031; gnomAD 0.00003; TOPMed 0.00003.
gnomAD v4.1: 50 of 1,614,226 alleles (0.0031%); highest among the groups gnomAD compares: South Asian, 0.013%; no homozygotes.

Submissions (5):

Labcorp Genetics (formerly Invitae), Labcorp
Classification: Uncertain significance. Last evaluated: 2025-12-16. Review status: criteria provided, single submitter. Criteria: Invitae Variant Classification Sherloc (09022015). Collection method: clinical testing. Allele origin: germline.
Comment: This sequence change replaces threonine, which is neutral and polar, with methionine, which is neutral and non-polar, at codon 156 of the HNF1A protein (p.Thr156Met). This variant is present in population databases (rs150513055, gnomAD 0.02%). This missense change has been observed in individual(s) with diabetes, hypoalphalipoproteinemia and/or maturity-onset diabetes of the young (PMID: 31291970, 33324081, 35460704, 36208030). ClinVar contains an entry for this variant (Variation ID: 36822). Invitae Evidence Modeling of protein sequence and biophysical properties (such as structural, functional, and spatial information, amino acid conservation, physicochemical variation, residue mobility, and thermodynamic stability) indicates that this missense variant is not expected to disrupt HNF1A protein function with a negative predictive value of 80%. In summary, the available evidence is currently insufficient to determine the role of this variant in disease. Therefore, it has been classified as a Variant of Uncertain Significance.

Fulgent Genetics
Classification: Uncertain significance for Type 2 diabetes mellitus; Hepatic adenomas, familial; Nonpapillary renal cell carcinoma; Diabetes mellitus type 1; Maturity-onset diabetes of the young type 3; Type 1 diabetes mellitus 20. Last evaluated: 2024-01-25. Review status: criteria provided, single submitter. Criteria: ACMG Guidelines, 2015. Collection method: clinical testing. Allele origin: germline.

Broad Center for Mendelian Genomics, Broad Institute of MIT and Harvard
Classification: Uncertain significance for Monogenic diabetes. Last evaluated: 2020-01-22. Review status: criteria provided, single submitter. Criteria: ACMG Guidelines, 2015. Collection method: curation. Allele origin: germline. Inheritance: Autosomal dominant inheritance.
Comment: The p.Thr156Met variant in HNF1A has been reported in one individual with Monogenic Diabetes in ClinVar (Variation ID: 36822), and has been identified in 0.01960% (6/30616) of South Asian chromosomes and 0.01129% (4/35434) of Latino chromosomes by the Genome Aggregation Database (gnomAD; dbSNP rs150513055). Although this variant has been seen in the general population, its frequency is low enough to be consistent with a carrier frequency. Please note that for diseases with clinical variability, or reduced penetrance, pathogenic variants may be present at a low frequency in the general population. This variant has also been reported likely pathogenic in ClinVar (Variation ID: 36822). Computational prediction tools and conservation analyses suggest that this variant may impact the protein, though this information is not predictive enough to determine pathogenicity. In summary, the clinical significance of the p.Thr156Met variant is uncertain. ACMG/AMP Criteria applied: PM2_Supporting, PP3 (Richards 2015).

Personalized Diabetes Medicine Program, University of Maryland School of Medicine
Classification: Uncertain significance for Monogenic diabetes. Last evaluated: 2018-07-13. Review status: criteria provided, single submitter. Criteria: ACMG Guidelines, 2015. Collection method: research. Allele origin: unknown. Observed: 1 variant allele, 1 heterozygote.
Comment: ACMG criteria: PP3 (REVEL score 0.786 + 10 predictors), PM1 (DNA binding domain), BS1 (0.023% in South Asian), Note: 2 controls and 0 cases in T2D= VUS; but email from Kevin Collcough uses BA1 for variant being 1/2200 in South Asians (0.045% heterozygote frequency) which would make the variant benign; given all of this data we will leave variant as VUS

Women's Health and Genetics/Laboratory Corporation of America, LabCorp
Classification: Likely pathogenic for MODY3. Last evaluated: 2011-08-18. Review status: criteria provided, single submitter. Criteria: LabCorp Variant Classification Summary - May 2015. Collection method: curation, clinical testing. Allele origin: germline. Inheritance: autosomal unknown. Affected: yes.
ClinVar note: Converted during submission from likely pathogenic to Likely pathogenic.

Literature cited by the submitters: PubMed 31291970 (cited by Labcorp Genetics (formerly Invitae), Labcorp); PubMed 33324081 (cited by Labcorp Genetics (formerly Invitae), Labcorp); PubMed 35460704 (cited by Labcorp Genetics (formerly Invitae), Labcorp); PubMed 36208030 (cited by Labcorp Genetics (formerly Invitae), Labcorp).

NM_000545.8(HNF1A):c.467C>T (p.Thr156Met)

Gene: HNF1A (HNF1 homeobox A; plus strand). Cytogenetic location: 12q24.31.
Variant type: single nucleotide variant.
Coding change: c.467C>T on transcript NM_000545.8 (MANE Select); coding-DNA position 467, C replaced by T.
Protein change: p.Thr156Met; replaces threonine 156 with methionine.
Molecular consequence: missense variant.
Genome position (GRCh38, 1-based): chr12:120,988,973, C>T. VCF-style: chr12-120988973-C-T. GRCh37 (hg19) VCF-style: chr12-121426776-C-T.
Other names: c.467C>T (NM_000545.6); c.467C>T, p.Thr156Met (NM_001306179.2); short protein forms T156M.
Identifiers: ClinVar variation 36822 (VCV000036822.12), dbSNP rs150513055, ClinGen allele CA214307.